The following is an entry in ClinVar:

ClinVar aggregate classification (germline): Conflicting classifications of pathogenicity. Review status: criteria provided, conflicting classifications (1 of 4 stars). 5 submissions from 5 submitters: Uncertain significance (4); Likely benign (1). Last evaluated 2025-09-04.

Conditions:
Hereditary cancer-predisposing syndrome. Also called: Neoplastic Syndromes, Hereditary; Tumor predisposition; Hereditary Cancer Syndrome; Hereditary neoplastic syndrome. Identifiers: Orphanet 140162, MedGen C0027672, MeSH D009386, MONDO:0015356.
Lynch syndrome. Identifiers: Orphanet 144, MedGen C4552100, MONDO:0005835. Disease mechanism: loss of function.

Submissions (5):

Color Diagnostics, LLC DBA Color Health
Classification: Uncertain significance for Hereditary cancer-predisposing syndrome. Last evaluated: 2025-09-04. Review status: criteria provided, single submitter. Criteria: ACMG Guidelines, 2015. Collection method: clinical testing. Allele origin: germline.
Comment: This missense variant replaces threonine with serine at codon 558 of the PMS2 protein. Computational prediction suggests that this variant may not impact protein structure and function. To our knowledge, functional studies have not been reported for this variant. This variant has not been reported in individuals affected with PMS2-related disorders in the literature. This variant has been identified in 1/251268 chromosomes in the general population by the Genome Aggregation Database (gnomAD). The available evidence is insufficient to determine the role of this variant in disease conclusively. Therefore, this variant is classified as a Variant of Uncertain Significance.

Quest Diagnostics Nichols Institute San Juan Capistrano
Classification: Uncertain significance. Last evaluated: 2025-08-01. Review status: criteria provided, single submitter. Criteria: Quest Diagnostics criteria. Collection method: clinical testing. Allele origin: unknown.
Comment: The PMS2 c.1673C>G (p.Thr558Ser) variant has been reported in the published literature in an individual with breast cancer (PMID: 35449176 (2022)). The frequency of this variant in the general population (Genome Aggregation Database) is uninformative in the assessment of its pathogenicity. Analysis of this variant using bioinformatics tools for the prediction of the effect of amino acid changes on protein structure and function yielded predictions that this variant is benign. Based on the available information, we are unable to determine the clinical significance of this variant.

Center for Genomic Medicine, Rigshospitalet, Copenhagen University Hospital
Classification: Uncertain significance. Last evaluated: 2025-03-04. Review status: criteria provided, single submitter. Criteria: ACMG Guidelines, 2015. Collection method: clinical testing. Allele origin: germline.

Ambry Genetics
Classification: Likely benign for Hereditary cancer-predisposing syndrome. Last evaluated: 2024-10-25. Review status: criteria provided, single submitter. Criteria: Ambry Variant Classification Scheme 2023. Collection method: clinical testing. Allele origin: germline.

All of Us Research Program, National Institutes of Health
Classification: Uncertain significance for Lynch syndrome. Last evaluated: 2023-05-16. Review status: criteria provided, single submitter. Criteria: ACMG Guidelines, 2015. Collection method: clinical testing. Allele origin: germline. Inheritance: Autosomal dominant inheritance. Observed: 2 variant alleles, 2 heterozygotes.
Comment: This missense variant replaces threonine with serine at codon 558 of the PMS2 protein. Computational prediction suggests that this variant may not impact protein structure and function (internally defined REVEL score threshold <= 0.5, PMID: 27666373). To our knowledge, functional studies have not been reported for this variant. This variant has not been reported in individuals affected with PMS2-related disorders in the literature. This variant has been identified in 1/251268 chromosomes in the general population by the Genome Aggregation Database (gnomAD). The available evidence is insufficient to determine the role of this variant in disease conclusively. Therefore, this variant is classified as a Variant of Uncertain Significance.

This study involves interpretation of variants in research participants for the purpose of population health screening. Participant phenotype was not available at the time of variant classification. Additional details can be found in publication PMID: 35346344, PMCID: PMC8962531

Literature cited by the submitters: PubMed 35449176 (cited by Quest Diagnostics Nichols Institute San Juan Capistrano).

NM_000535.7(PMS2):c.1673C>G (p.Thr558Ser)

Gene: PMS2 (PMS1 homolog 2, mismatch repair system component; minus strand). Cytogenetic location: 7p22.1.
Variant type: single nucleotide variant.
Coding change: c.1673C>G on transcript NM_000535.7 (MANE Select); coding-DNA position 1673, C replaced by G.
Protein change: p.Thr558Ser; replaces threonine 558 with serine.
Molecular consequence: missense variant. On other transcripts: non-coding transcript variant (1).
Genome position (GRCh38, 1-based): chr7:5,987,092, G>C on the plus strand (C>G on the coding strand, the complement: PMS2 is on the minus strand). VCF-style: chr7-5987092-G-C. GRCh37 (hg19) VCF-style: chr7-6026723-G-C.
Other names: c.740C>G, p.Thr247Ser (NM_001322012.2, NM_001322011.2); c.1859C>G, p.Thr620Ser (NM_001406866.1); c.1697C>G, p.Thr566Ser (NM_001406868.1); c.1673C>G, p.Thr558Ser (NM_001322014.2, NM_001406871.1, NM_001406872.1); c.1364C>G, p.Thr455Ser (NM_001322015.2, NM_001406875.1, NM_001406877.1 and 5 more transcripts); c.1100C>G, p.Thr367Ser (NM_001322013.2, NM_001406909.1); c.1268C>G, p.Thr423Ser (NM_001018040.1, NM_001322003.2, NM_001322004.2 and 17 more transcripts); c.1517C>G, p.Thr506Ser (NM_001322006.2, NM_001406870.1); and 13 more; short protein forms T247S, T371S, T403S, T522S, T558S, T367S, T400S, T423S.
Identifiers: ClinVar variation 1777744 (VCV001777744.8), dbSNP rs114037612, ClinGen allele CA366741259.
Genomic context (GRCh38, chr7:5,987,092, plus strand): 5'-CGCTTTGTGTTTGGGGTTGCGAGATTAGTTGGCTGAGGCAAAACTCGAAATTTACATCCG[G>C]TATCTTCCTGGTTTGAATGGCAGTCCACATCTGAAAAAGAGTCGTCAGTTTTAGGCGCTT-3'
Protein context (NP_000526.2, residues 548-568): DVDCHSNQED[Thr558Ser]GCKFRVLPQP